The following is an entry in ClinVar:

NM_004946.3(DOCK2):c.3756+2T>C

Gene: DOCK2 (dedicator of cytokinesis 2; plus strand). Cytogenetic location: 5q35.1.
Variant type: single nucleotide variant.
Coding change: c.3756+2T>C on transcript NM_004946.3 (MANE Select); the canonical splice donor site of the intron after coding-DNA position 3756, T replaced by C.
Molecular consequence: splice donor variant.
Genome position (GRCh38, 1-based): chr5:170,041,147, T>C. VCF-style: chr5-170041147-T-C. GRCh37 (hg19) VCF-style: chr5-169468151-T-C.
Identifiers: ClinVar variation 1481167 (VCV001481167.6), dbSNP rs1035797449, ClinGen allele CA132044278.

ClinVar aggregate classification (germline): Likely pathogenic (1 of 4 stars; one submission).

Conditions:
DOCK2 deficiency. Also called: Immunodeficiency 40. Identifiers: Orphanet 447737, MedGen C4225328, MONDO:0014637, OMIM 616433.

Allele frequency attached by ClinVar (database versions not stated): gnomAD exomes below 0.00001; TOPMed 0.00001.
gnomAD v4.1: 2 of 1,613,176 alleles (0.00012%); highest among the groups gnomAD compares: Non-Finnish European, 0.00017%; no homozygotes.

Submission:

Labcorp Genetics (formerly Invitae), Labcorp
Classification: Likely pathogenic for DOCK2 deficiency. Last evaluated: 2021-07-04. Review status: criteria provided, single submitter. Criteria: Invitae Variant Classification Sherloc (09022015). Collection method: clinical testing. Allele origin: germline.
Comment: In summary, the currently available evidence indicates that the variant is pathogenic, but additional data are needed to prove that conclusively. Therefore, this variant has been classified as Likely Pathogenic. Algorithms developed to predict the effect of sequence changes on RNA splicing suggest that this variant may disrupt the consensus splice site. This variant has not been reported in the literature in individuals affected with DOCK2-related conditions. This variant is not present in population databases (ExAC no frequency). This sequence change affects a donor splice site in intron 37 of the DOCK2 gene. It is expected to disrupt RNA splicing. Variants that disrupt the donor or acceptor splice site typically lead to a loss of protein function (PMID: 16199547), and loss-of-function variants in DOCK2 are known to be pathogenic (PMID: 26083206).

Literature cited by the submitters: PubMed 16199547; PubMed 26083206.